The following is an entry in ClinVar:

NC_012920.1(MT-TR):m.10407G>A

Gene: MT-TR (mitochondrially encoded tRNA arginine; plus strand).
Variant type: single nucleotide variant.
Genome position: chrM-10407-G-A.
Identifiers: ClinVar variation 3255384 (VCV003255384.3).
Genomic context (GRCh38, chrMT:10,407, plus strand): 5'-ATCCTAGCCCTAAGTCTGGCCTATGAGTGACTACAAAAAGGATTAGACTGAACCGAATTG[G>A]TATATAGTTTAAACAAAACGAATGATTTCGACTCATTAAATTATGATAATCATATTTACC-3'

ClinVar aggregate classification (germline): Pathogenic (1 of 4 stars; one submission).

Conditions:
MERRF syndrome (MERRF). Also called: MYOCLONIC EPILEPSY ASSOCIATED WITH RAGGED-RED FIBERS; Myoclonus with epilepsy with ragged red fibers; Myoencephalopathy ragged-red fiber disease. Identifiers: Orphanet 551, MedGen C0162672, MONDO:0010790, OMIM 545000.

Submission:

Key Laboratory of Laboratory Medicine, Ministry of Education, Wenzhou Medical University
Classification: Pathogenic for MERRF syndrome. Last evaluated: 2024-03-01. Review status: criteria provided, single submitter. Criteria: ACMG Guidelines, 2015. Collection method: research, in vitro. Allele origin: de novo, not applicable. Affected: yes. Observed: 1 variant allele. Functional consequence: loss_of_function_variant.
Comment: PS2+PS3+PM2(ACMG Guidelines, 2015)